The following is an entry in ClinVar:

ClinVar aggregate classification (germline): Likely pathogenic (1 of 4 stars; one submission).

Conditions:
Autosomal recessive nonsyndromic hearing loss 9. Also called: Deafness, autosomal recessive 9; OTOF-Related Hearing Loss; AUDITORY NEUROPATHY, AUTOSOMAL RECESSIVE, 1, TEMPERATURE-SENSITIVE; NEUROSENSORY NONSYNDROMIC RECESSIVE DEAFNESS 9. Identifiers: Orphanet 90636, MedGen C1832828, MONDO:0010986, OMIM 601071.

Submission:

Juno Genomics, Hangzhou Juno Genomics, Inc
Classification: Likely pathogenic for Autosomal recessive nonsyndromic hearing loss 9. Review status: criteria provided, single submitter. Criteria: ACMG Guidelines, 2015. Collection method: clinical testing. Allele origin: germline.
Comment: Null variant in a gene where loss of function (LOF) is a known mechanism of disease.;Absent from controls (or at extremely low frequency if recessive) in Genome Aggregation Database.

NM_194248.3(OTOF):c.365_402del (p.Asp122fs)

Gene: OTOF (otoferlin; minus strand). Cytogenetic location: 2p23.3.
Variant type: Deletion.
Coding change: c.365_402del on transcript NM_194248.3 (MANE Select); coding-DNA positions 365 to 402, 38 bases deleted.
Protein change: p.Asp122fs; shifts the reading frame from aspartic acid 122.
Molecular consequence: frameshift variant.
Genome position (GRCh38, 1-based): chr2:26,516,525-26,516,562, 38 bases deleted; deleting any 38 consecutive bases within chr2:26,516,525-26,516,565 gives the same sequence; the c. name uses the placement nearest the transcript's 3' end. GRCh37 (hg19): chr2:26,739,396-26,739,433.
Other names: c.365_402del, p.Asp122fs (NM_001287489.2); short protein forms D122fs.
Identifiers: ClinVar variation 5006273 (VCV005006273.2).